The following is an entry in ClinVar:

ClinVar aggregate classification (germline): Uncertain significance (1 of 4 stars; one submission).

Conditions:
Temtamy syndrome (TEMTYS). Also called: MENTAL RETARDATION WITH OR WITHOUT CRANIOFACIAL DYSMORPHISM, OCULAR COLOBOMA, OR ABNORMAL CORPUS CALLOSUM. Identifiers: Orphanet 1777, MedGen C1857512, MONDO:0009033, OMIM 218340.

Allele frequency attached by ClinVar (database versions not stated): gnomAD 0.00001.
gnomAD v4.1: 1 of 1,613,664 alleles (0.000062%); highest among the groups gnomAD compares: African/African-American, 0.0013%; no homozygotes.

Submission:

Labcorp Genetics (formerly Invitae), Labcorp
Classification: Uncertain significance for Temtamy syndrome. Last evaluated: 2024-02-17. Review status: criteria provided, single submitter. Criteria: Invitae Variant Classification Sherloc (09022015). Collection method: clinical testing. Allele origin: germline.
Comment: This sequence change replaces lysine, which is basic and polar, with glutamine, which is neutral and polar, at codon 86 of the C12orf57 protein (p.Lys86Gln). This variant is present in population databases (no rsID available, gnomAD 0.01%). This variant has not been reported in the literature in individuals affected with C12orf57-related conditions. ClinVar contains an entry for this variant (Variation ID: 2039401). An algorithm developed to predict the effect of missense changes on protein structure and function (PolyPhen-2) suggests that this variant is likely to be disruptive. In summary, the available evidence is currently insufficient to determine the role of this variant in disease. Therefore, it has been classified as a Variant of Uncertain Significance.

NM_138425.4(C12orf57):c.256A>C (p.Lys86Gln)

Gene: C12orf57 (chromosome 12 open reading frame 57; plus strand). Cytogenetic location: 12p13.31.
Variant type: single nucleotide variant.
Coding change: c.256A>C on transcript NM_138425.4 (MANE Select); coding-DNA position 256, A replaced by C.
Protein change: p.Lys86Gln; replaces lysine 86 with glutamine.
Molecular consequence: missense variant. On other transcripts: non-coding transcript variant (1).
Genome position (GRCh38, 1-based): chr12:6,945,797, A>C. VCF-style: chr12-6945797-A-C. GRCh37 (hg19) VCF-style: chr12-7054960-A-C.
Other names: c.256A>C, p.Lys86Gln (NM_001301834.1); c.217A>C, p.Lys73Gln (NM_001301836.2); c.169A>C, p.Lys57Gln (NM_001301837.2); c.151A>C, p.Lys51Gln (NM_001301838.2); short protein forms K86Q, K51Q, K57Q, K73Q.
Identifiers: ClinVar variation 2039401 (VCV002039401.4), dbSNP rs1555146486, ClinGen allele CA383745756.